The following is an entry in ClinVar:

ClinVar aggregate classification (germline): Uncertain significance. Review status: criteria provided, multiple submitters, no conflicts (2 of 4 stars). 2 submissions from 2 submitters: Uncertain significance (2). Last evaluated 2023-12-23.

Conditions:
Pitt-Hopkins-like syndrome 2 (PTHSL2). Identifiers: Orphanet 221150, Orphanet 600663, MedGen C3280479, MONDO:0013690, OMIM 614325.

Allele frequency attached by ClinVar (database versions not stated): ExAC 0.00002.
gnomAD v4.1: 6 of 1,613,878 alleles (0.00037%); highest among the groups gnomAD compares: South Asian, 0.0022%; 1 homozygote.

Submissions (2):

Labcorp Genetics (formerly Invitae), Labcorp
Classification: Uncertain significance for Pitt-Hopkins-like syndrome 2. Last evaluated: 2023-12-23. Review status: criteria provided, single submitter. Criteria: Invitae Variant Classification Sherloc (09022015). Collection method: clinical testing. Allele origin: germline.
Comment: This sequence change replaces arginine, which is basic and polar, with cysteine, which is neutral and slightly polar, at codon 549 of the NRXN1 protein (p.Arg549Cys). This variant is not present in population databases (gnomAD no frequency). This variant has not been reported in the literature in individuals affected with NRXN1-related conditions. ClinVar contains an entry for this variant (Variation ID: 1316906). An algorithm developed to predict the effect of missense changes on protein structure and function (PolyPhen-2) suggests that this variant is likely to be disruptive. In summary, the available evidence is currently insufficient to determine the role of this variant in disease. Therefore, it has been classified as a Variant of Uncertain Significance.

GeneDx
Classification: Uncertain significance. Last evaluated: 2020-07-09. Review status: criteria provided, single submitter. Criteria: GeneDx Variant Classification Process June 2021. Collection method: clinical testing. Allele origin: germline. Affected: yes.
Comment: Not observed in large population cohorts (Lek et al., 2016); In silico analysis supports that this missense variant has a deleterious effect on protein structure/function; Has not been previously published as pathogenic or benign to our knowledge

NM_001330078.2(NRXN1):c.1525C>T (p.Arg509Cys)

Gene: NRXN1 (neurexin 1; minus strand). Cytogenetic location: 2p16.3.
Variant type: single nucleotide variant.
Coding change: c.1525C>T on transcript NM_001330078.2 (MANE Select); coding-DNA position 1525, C replaced by T.
Protein change: p.Arg509Cys; replaces arginine 509 with cysteine.
Molecular consequence: missense variant.
Genome position (GRCh38, 1-based): chr2:50,552,821, G>A on the plus strand (C>T on the coding strand, the complement: NRXN1 is on the minus strand). VCF-style: chr2-50552821-G-A. GRCh37 (hg19) VCF-style: chr2-50779959-G-A.
Other names: c.1645C>T, p.Arg549Cys (NM_001135659.3); c.1501C>T, p.Arg501Cys (NM_001330077.2, NM_001330082.2, NM_001330095.2); c.1486C>T, p.Arg496Cys (NM_001330083.2, NM_001330084.2); c.1525C>T, p.Arg509Cys (NM_001330085.2, NM_001330086.2, NM_004801.6); c.1441C>T, p.Arg481Cys (NM_001330087.2, NM_001330096.2); c.1471C>T, p.Arg491Cys (NM_001330088.2); c.1522C>T, p.Arg508Cys (NM_001330093.2); c.1513C>T, p.Arg505Cys (NM_001330094.2); short protein forms R481C, R491C, R496C, R501C, R505C, R508C, R509C, R549C.
Identifiers: ClinVar variation 1316906 (VCV001316906.5), dbSNP rs768913131, ClinGen allele CA1655026.
Genomic context (GRCh38, chr2:50,552,821, plus strand): 5'-CTTTCTGATGTCTTGGCTTGCCATGGCTAAATAAGATGAGGCCATTTGGCTCTGTTGTAC[G>A]GAAATCAAATGATATGGAGCCAGTTTTCTTTGCATTCCATTTAGGCAAAGAGATGAAAGA-3'
Protein context (NP_001317007.1, residues 499-519): KKTGSISFDF[Arg509Cys]TTEPNGLILF